The following is an entry in ClinVar:

NM_000553.6(WRN):c.836G>C (p.Arg279Pro)

Gene: WRN (WRN RecQ like helicase; plus strand). Cytogenetic location: 8p12.
Variant type: single nucleotide variant.
Coding change: c.836G>C on transcript NM_000553.6 (MANE Select); coding-DNA position 836, G replaced by C.
Protein change: p.Arg279Pro; replaces arginine 279 with proline.
Molecular consequence: missense variant.
Genome position (GRCh38, 1-based): chr8:31,076,284, G>C. VCF-style: chr8-31076284-G-C. GRCh37 (hg19) VCF-style: chr8-30933800-G-C.
Other names: short protein forms R279P.
Identifiers: ClinVar variation 1507585 (VCV001507585.7), dbSNP rs768400363, ClinGen allele CA370918815.

ClinVar aggregate classification (germline): Uncertain significance. Review status: criteria provided, multiple submitters, no conflicts (2 of 4 stars). 2 submissions from 2 submitters: Uncertain significance (2). Last evaluated 2021-12-12.

Conditions:
Werner syndrome (WRN). Identifiers: Orphanet 902, MedGen C0043119, MONDO:0010196, OMIM 277700.

Submissions (2):

Labcorp Genetics (formerly Invitae), Labcorp
Classification: Uncertain significance for Werner syndrome. Last evaluated: 2021-12-12. Review status: criteria provided, single submitter. Criteria: Invitae Variant Classification Sherloc (09022015). Collection method: clinical testing. Allele origin: germline.
Comment: This sequence change replaces arginine, which is basic and polar, with proline, which is neutral and non-polar, at codon 279 of the WRN protein (p.Arg279Pro). In summary, the available evidence is currently insufficient to determine the role of this variant in disease. Therefore, it has been classified as a Variant of Uncertain Significance. This variant is present in population databases (no rsID available, gnomAD 0.0009%). This variant has not been reported in the literature in individuals affected with WRN-related conditions. Algorithms developed to predict the effect of missense changes on protein structure and function are either unavailable or do not agree on the potential impact of this missense change (SIFT: "Not Available"; PolyPhen-2: "Benign"; Align-GVGD: "Not Available").

Fulgent Genetics
Classification: Uncertain significance for Werner syndrome. Last evaluated: 2021-08-04. Review status: criteria provided, single submitter. Criteria: ACMG Guidelines, 2015. Collection method: clinical testing. Allele origin: unknown.